The following is an entry in ClinVar:

ClinVar aggregate classification (germline): Uncertain significance (1 of 4 stars; one submission).

Conditions:
Autosomal dominant familial hematuria-retinal arteriolar tortuosity-contractures syndrome. Also called: Hereditary Angiopathy with Nephropathy, Aneurysms, and Muscle Cramps (HANAC) Syndrome; Angiopathy, hereditary, with nephropathy, aneurysms, and muscle cramps. Identifiers: Orphanet 73229, MedGen C2673195, MONDO:0012726, OMIM 611773.

Allele frequency attached by ClinVar (database versions not stated): gnomAD exomes below 0.00001.
gnomAD v4.1: 1 of 1,614,244 alleles (0.000062%); highest among the groups gnomAD compares: Non-Finnish European, 0.000085%; no homozygotes.

Submission:

MGZ Medical Genetics Center
Classification: Uncertain significance for Autosomal dominant familial hematuria-retinal arteriolar tortuosity-contractures syndrome. Last evaluated: 2022-03-07. Review status: criteria provided, single submitter. Criteria: ACMG Guidelines, 2015. Collection method: clinical testing. Allele origin: germline. Affected: yes. Observed: 1 variant allele.
Comment: ACMG criteria applied: PM2_SUP, PP2, PP3

NM_001845.6(COL4A1):c.4550A>G (p.Asn1517Ser)

Gene: COL4A1 (collagen type IV alpha 1 chain; minus strand). Cytogenetic location: 13q34.
Variant type: single nucleotide variant.
Coding change: c.4550A>G on transcript NM_001845.6 (MANE Select); coding-DNA position 4550, A replaced by G.
Protein change: p.Asn1517Ser; replaces asparagine 1517 with serine.
Molecular consequence: missense variant.
Genome position (GRCh38, 1-based): chr13:110,161,282, T>C on the plus strand (A>G on the coding strand, the complement: COL4A1 is on the minus strand). VCF-style: chr13-110161282-T-C. GRCh37 (hg19) VCF-style: chr13-110813629-T-C.
Other names: short protein forms N1517S.
Identifiers: ClinVar variation 1709283 (VCV001709283.2), dbSNP rs2501735030, ClinGen allele CA388657344.